The following is an entry in ClinVar:

ClinVar aggregate classification (germline): Uncertain significance (1 of 4 stars; one submission).

Submission:

Women's Health and Genetics/Laboratory Corporation of America, LabCorp
Classification: Uncertain significance. Last evaluated: 2024-01-17. Review status: criteria provided, single submitter. Criteria: LabCorp Variant Classification Summary - May 2015. Collection method: clinical testing. Allele origin: germline.
Comment: Variant summary: MYST1 c.110C>G (p.Ser37Cys) results in a non-conservative amino acid change in the encoded protein sequence. Three of five in-silico tools predict a damaging effect of the variant on protein function. The variant was absent in 88242 control chromosomes. The available data on variant occurrences in the general population are insufficient to allow any conclusion about variant significance. To our knowledge, no occurrence of c.110C>G in individuals affected with Li-Ghorbani Syndrome and no experimental evidence demonstrating its impact on protein function have been reported. No submitters have cited clinical-significance assessments for this variant to ClinVar. Based on the evidence outlined above, the variant was classified as uncertain significance.

NM_032188.3(KAT8):c.110C>G (p.Ser37Cys)

Gene: KAT8 (lysine acetyltransferase 8; plus strand). Cytogenetic location: 16p11.2.
Variant type: single nucleotide variant.
Coding change: c.110C>G on transcript NM_032188.3 (MANE Select); coding-DNA position 110, C replaced by G.
Protein change: p.Ser37Cys; replaces serine 37 with cysteine.
Molecular consequence: missense variant.
Genome position (GRCh38, 1-based): chr16:31,117,791, C>G. VCF-style: chr16-31117791-C-G. GRCh37 (hg19) VCF-style: chr16-31129112-C-G.
Other names: c.110C>G, p.Ser37Cys (NM_182958.4); short protein forms S37C.
Identifiers: ClinVar variation 3063963 (VCV003063963.1), dbSNP rs2143959866, ClinGen allele CA395665667.